The following is an entry in ClinVar:

NM_006392.4(NOP56):c.1727T>C (p.Val576Ala)

Gene: NOP56 (NOP56 ribonucleoprotein; plus strand). Cytogenetic location: 20p13.
Variant type: single nucleotide variant.
Coding change: c.1727T>C on transcript NM_006392.4 (MANE Select); coding-DNA position 1727, T replaced by C.
Protein change: p.Val576Ala; replaces valine 576 with alanine.
Molecular consequence: missense variant. On other transcripts: non-coding transcript variant (2).
Genome position (GRCh38, 1-based): chr20:2,658,236, T>C. VCF-style: chr20-2658236-T-C. GRCh37 (hg19) VCF-style: chr20-2638882-T-C.
Other names: short protein forms V576A.
Identifiers: ClinVar variation 129809 (VCV000129809.7), dbSNP rs5856, ClinGen allele CA154134.
Genomic context (GRCh38, chr20:2,658,236, plus strand): 5'-CCAAGAAAAAGAGGAAATTCTCCAAAGAGGAGCCGGTCAGCAGTGGGCCTGAAGAGGCGG[T>C]TGGCAAGAGCAGCTCCAAGAAGAAGAAAAAGTTCCATAAAGCATCCCAGGAAGATTAGAA-3'
Protein context (NP_006383.2, residues 566-586): EPVSSGPEEA[Val576Ala]GKSSSKKKKK

ClinVar aggregate classification (germline): Benign. Review status: criteria provided, single submitter (1 of 4 stars). 2 submissions from 2 submitters: Benign (1). 1 of the submissions does not count toward it.

Allele frequency attached by ClinVar (database versions not stated): gnomAD exomes 0.28726; ExAC 0.29312; ESP Exome Variant Server 0.33893; gnomAD 0.35964 and 0.36540; 1000 Genomes Project 0.37740; TOPMed 0.37821; 1000 Genomes Project 30x 0.38991.
gnomAD v4.1: 448,263 of 1,596,036 alleles (28%); highest among the groups gnomAD compares: African/African-American, 57%; 67,562 homozygotes.

Submissions (2):

Breakthrough Genomics
Classification: Benign. Review status: criteria provided, single submitter. Criteria: ACMG Guidelines, 2015. Collection method: not provided. Allele origin: germline. Inheritance: Autosomal dominant inheritance. Affected: yes.

Genetic Services Laboratory, University of Chicago
Classification: Likely benign for AllHighlyPenetrant. Review status: no assertion criteria provided. Collection method: clinical testing. Allele origin: germline. Inheritance: Autosomal dominant inheritance. Not counted in ClinVar's aggregate classification.
Comment: Likely benign based on allele frequency in 1000 Genomes Project or ESP global frequency and its presence in a patient with a rare or unrelated disease phenotype. NOT Sanger confirmed.